The following is an entry in ClinVar:

NM_001429.4(EP300):c.5873C>T (p.Pro1958Leu)

Gene: EP300 (EP300 lysine acetyltransferase; plus strand). Cytogenetic location: 22q13.2.
Variant type: single nucleotide variant.
Coding change: c.5873C>T on transcript NM_001429.4 (MANE Select); coding-DNA position 5873, C replaced by T.
Protein change: p.Pro1958Leu; replaces proline 1958 with leucine.
Molecular consequence: missense variant.
Genome position (GRCh38, 1-based): chr22:41,177,584, C>T. VCF-style: chr22-41177584-C-T. GRCh37 (hg19) VCF-style: chr22-41573588-C-T.
Other names: c.5795C>T, p.Pro1932Leu (NM_001362843.2); c.5873C>T (NM_001429.3); short protein forms P1932L, P1958L.
Identifiers: ClinVar variation 2737567 (VCV002737567.5), dbSNP rs776916559, ClinGen allele CA10253723.

ClinVar aggregate classification (germline): Benign. Review status: criteria provided, single submitter (1 of 4 stars). 2 submissions from 2 submitters: Benign (1). 1 of the submissions does not count toward it. Last evaluated 2025-08-20.

Conditions:
Rubinstein-Taybi syndrome due to EP300 haploinsufficiency. Also called: EP300-Related Rubinstein-Taybi Syndrome; RUBINSTEIN-TAYBI SYNDROME 2. Identifiers: Orphanet 353284, Orphanet 783, MedGen C3150941, MONDO:0013364, OMIM 613684.
EP300-related disorder. Also called: EP300-related disorders; EP300-related condition.

Allele frequency attached by ClinVar (database versions not stated): gnomAD 0.00001; ExAC 0.00002; gnomAD exomes 0.00004; TOPMed 0.00004.
gnomAD v4.1: 58 of 1,614,058 alleles (0.0036%); highest among the groups gnomAD compares: Admixed American, 0.0083%; no homozygotes.

Submissions (2):

Labcorp Genetics (formerly Invitae), Labcorp
Classification: Benign for Rubinstein-Taybi syndrome due to EP300 haploinsufficiency. Last evaluated: 2025-08-20. Review status: criteria provided, single submitter. Criteria: Invitae Variant Classification Sherloc (09022015). Collection method: clinical testing. Allele origin: germline.

PreventionGenetics, part of Exact Sciences
Classification: Likely benign for EP300-related condition. Last evaluated: 2022-05-09. Review status: no assertion criteria provided. Collection method: clinical testing. Allele origin: germline. Not counted in ClinVar's aggregate classification.
Comment: This variant is classified as likely benign based on ACMG/AMP sequence variant interpretation guidelines (Richards et al. 2015 PMID: 25741868, with internal and published modifications).